The following is an entry in ClinVar:

NM_001365999.1(SZT2):c.1793C>A (p.Thr598Asn)

Gene: SZT2 (SZT2 subunit of KICSTOR complex; plus strand). Cytogenetic location: 1p34.2.
Variant type: single nucleotide variant.
Coding change: c.1793C>A on transcript NM_001365999.1 (MANE Select); coding-DNA position 1793, C replaced by A.
Protein change: p.Thr598Asn; replaces threonine 598 with asparagine.
Molecular consequence: missense variant.
Genome position (GRCh38, 1-based): chr1:43,422,503, C>A. VCF-style: chr1-43422503-C-A. GRCh37 (hg19) VCF-style: chr1-43888174-C-A.
Other names: c.1793C>A, p.Thr598Asn (NM_015284.4); short protein forms T598N.
Identifiers: ClinVar variation 3639256 (VCV003639256.2).

ClinVar aggregate classification (germline): Uncertain significance (1 of 4 stars; one submission).

gnomAD v4.1: 2 of 1,593,874 alleles (0.00013%); highest among the groups gnomAD compares: East Asian, 0.0022%; no homozygotes.

Submission:

Labcorp Genetics (formerly Invitae), Labcorp
Classification: Uncertain significance. Last evaluated: 2024-10-29. Review status: criteria provided, single submitter. Criteria: Invitae Variant Classification Sherloc (09022015). Collection method: clinical testing. Allele origin: germline.
Comment: This sequence change replaces threonine, which is neutral and polar, with asparagine, which is neutral and polar, at codon 598 of the SZT2 protein (p.Thr598Asn). The frequency data for this variant in the population databases is considered unreliable, as metrics indicate poor data quality at this position in the gnomAD database. This variant has not been reported in the literature in individuals affected with SZT2-related conditions. Invitae Evidence Modeling of protein sequence and biophysical properties (such as structural, functional, and spatial information, amino acid conservation, physicochemical variation, residue mobility, and thermodynamic stability) indicates that this missense variant is not expected to disrupt SZT2 protein function with a negative predictive value of 80%. In summary, the available evidence is currently insufficient to determine the role of this variant in disease. Therefore, it has been classified as a Variant of Uncertain Significance.